The following is an entry in ClinVar:

NM_018136.5(ASPM):c.5416A>T (p.Thr1806Ser)

Gene: ASPM (assembly factor for spindle microtubules; minus strand). Cytogenetic location: 1q31.3.
Variant type: single nucleotide variant.
Coding change: c.5416A>T on transcript NM_018136.5 (MANE Select); coding-DNA position 5416, A replaced by T.
Protein change: p.Thr1806Ser; replaces threonine 1806 with serine.
Molecular consequence: missense variant. On other transcripts: intron variant (1).
Genome position (GRCh38, 1-based): chr1:197,103,835, T>A on the plus strand (A>T on the coding strand, the complement: ASPM is on the minus strand). VCF-style: chr1-197103835-T-A. GRCh37 (hg19) VCF-style: chr1-197072965-T-A.
Other names: c.4066-7671A>T (NM_001206846.2); short protein forms T1806S.
Identifiers: ClinVar variation 2006611 (VCV002006611.4), dbSNP rs763068259, ClinGen allele CA344026608.

ClinVar aggregate classification (germline): Uncertain significance (1 of 4 stars; one submission).

Allele frequency attached by ClinVar (database versions not stated): gnomAD 0.00001.
gnomAD v4.1: 1 of 1,613,036 alleles (0.000062%); highest among the groups gnomAD compares: Non-Finnish European, 0.000085%; no homozygotes.

Submission:

Labcorp Genetics (formerly Invitae), Labcorp
Classification: Uncertain significance. Last evaluated: 2022-10-17. Review status: criteria provided, single submitter. Criteria: Invitae Variant Classification Sherloc (09022015). Collection method: clinical testing. Allele origin: germline.
Comment: Advanced modeling of protein sequence and biophysical properties (such as structural, functional, and spatial information, amino acid conservation, physicochemical variation, residue mobility, and thermodynamic stability) performed at Invitae indicates that this missense variant is not expected to disrupt ASPM protein function. This variant has not been reported in the literature in individuals affected with ASPM-related conditions. This variant is not present in population databases (gnomAD no frequency). This sequence change replaces threonine, which is neutral and polar, with serine, which is neutral and polar, at codon 1806 of the ASPM protein (p.Thr1806Ser). In summary, the available evidence is currently insufficient to determine the role of this variant in disease. Therefore, it has been classified as a Variant of Uncertain Significance.